The following is an entry in ClinVar:

ClinVar aggregate classification (germline): Pathogenic/Likely pathogenic. Review status: criteria provided, multiple submitters, no conflicts (2 of 4 stars). 6 submissions from 6 submitters: Pathogenic (1); Likely pathogenic (5). Last evaluated 2025-09-29.

Conditions:
BTD-related disorder. Also called: BTD-related condition.
Biotinidase deficiency. Also called: Biotin deficiency; BTD deficiency; Late-onset biotin-responsive multiple carboxylase deficiency. Identifiers: Orphanet 79241, MedGen C0220754, MONDO:0009665, OMIM 253260.

Allele frequency attached by ClinVar (database versions not stated): gnomAD 0.00001; TOPMed 0.00003.
gnomAD v4.1: 8 of 1,613,496 alleles (0.0005%); highest among the groups gnomAD compares: East Asian, 0.016%; no homozygotes.

Submissions (6):

Natera, Inc.
Classification: Pathogenic for Biotinidase deficiency. Last evaluated: 2025-09-29. Review status: criteria provided, single submitter. Criteria: Natera Variant Classification Schema (03/2026). Collection method: clinical testing. Allele origin: germline.
Comment: The c.-17+2T>C variant in BTD is a canonical splice donor site variant predicted to affect pre-mRNA splicing, which may result in an abnormal transcript and altered protein product. This variant is expected to result in nonsense mediated decay, truncation, or a dysfunctional protein product. This variant is rare in the general population with a frequency below the threshold expected for the associated phenotype(s). Another variant at this same site results in an alteration predicted to cause a similar molecular effect has been observed in individual(s) with the associated phenotype. Given the available evidence, this variant is classified as Pathogenic.

Labcorp Genetics (formerly Invitae), Labcorp
Classification: Likely pathogenic for Biotinidase deficiency. Last evaluated: 2025-01-06. Review status: criteria provided, single submitter. Criteria: Invitae Variant Classification Sherloc (09022015). Collection method: clinical testing. Allele origin: germline.
Comment: This sequence change affects a donor splice site in intron 1 of the BTD gene. However, it is currently unclear if variants that occur in this region of the gene cause disease. This variant is present in population databases (rs745648160, gnomAD 0.03%). Disruption of this splice site has been observed in individual(s) with biotinidase deficiency (PMID: 29728376, 38299772). In at least one individual the data is consistent with being in trans (on the opposite chromosome) from a pathogenic variant. ClinVar contains an entry for this variant (Variation ID: 1068379). Variants that disrupt the consensus splice site are a relatively common cause of aberrant splicing (PMID: 17576681, 9536098). Algorithms developed to predict the effect of sequence changes on RNA splicing suggest that this variant may disrupt the consensus splice site. In summary, the currently available evidence indicates that the variant is pathogenic, but additional data are needed to prove that conclusively. Therefore, this variant has been classified as Likely Pathogenic.

Blueprint Genetics
Classification: Likely pathogenic for BTD-related disorders. Last evaluated: 2024-10-02. Review status: criteria provided, single submitter. Criteria: ACMG Guidelines, 2015. Collection method: clinical testing. Allele origin: germline. Affected: yes. Observed: 4 variant alleles.

Fulgent Genetics
Classification: Likely pathogenic for Biotinidase deficiency. Last evaluated: 2024-04-05. Review status: criteria provided, single submitter. Criteria: ACMG Guidelines, 2015. Collection method: clinical testing. Allele origin: germline.

Women's Health and Genetics/Laboratory Corporation of America, LabCorp
Classification: Likely pathogenic for Biotinidase deficiency. Last evaluated: 2022-04-05. Review status: criteria provided, single submitter. Criteria: LabCorp Variant Classification Summary - May 2015. Collection method: clinical testing. Allele origin: germline.
Comment: Variant summary: BTD c.-17+2T>C is located in a splice-site region of the non-coding exon 1, upstream of the initiation codon, and is predicted by multiple computational tools to abolish the canonical 5 splicing donor site. However, these predictions have yet to be confirmed by functional studies. The variant allele was found at a frequency of 2.4e-05 in 249782 control chromosomes (gnomAD). To our knowledge, no occurrence of c.-17+2T>C in individuals affected with Biotinidase Deficiency and no experimental evidence demonstrating its impact on protein function have been reported. While expression of exon 1 is absent in most tissues in the GTEx database, and it is a non-coding exon in the transcript utilized in this classification, there is evidence that exon 1 remains an important region of the gene. Another variant which impacts the same splice-site, c.-17+1G>A, has been reported in a patient affected with partial Biotinidase Deficiency (PMID 29728376) and is cited in ClinVar as likely pathogenic. Additionally, a 107-kb contiguous deletion of three genes in homozygosity, including exon 1 of the BTD gene, has been reported in a child whose symptoms were apparently solely attributable to the BTD gene and improved with biotin supplementation (PMID 28649532). The authors of this study concluded that deletion of exon 1 results in the inability to synthesize the active enzyme product, as exon 1 contains the initiation site and leader signal sequence of the enzyme, supporting a critical role for this exon, with the caveat that a deletion of the region may have a different impact than a variant affecting splicing (PMID 28649532). A ClinVar submitter (evaluation after 2014) cites the variant as likely pathogenic. Based on the evidence outlined above, the variant was classified as likely pathogenic.

Juno Genomics, Hangzhou Juno Genomics, Inc
Classification: Likely pathogenic for Biotinidase deficiency. Review status: criteria provided, single submitter. Criteria: ACMG Guidelines, 2015. Collection method: clinical testing. Allele origin: germline.
Comment: Null variant in a gene where loss of function (LOF) is a known mechanism of disease.;Absent from controls (or at extremely low frequency if recessive) in Genome Aggregation Database.

Literature cited by the submitters: PubMed 29728376 (cited by Labcorp Genetics (formerly Invitae), Labcorp); PubMed 38299772 (cited by Labcorp Genetics (formerly Invitae), Labcorp); PubMed 17576681 (cited by Labcorp Genetics (formerly Invitae), Labcorp); PubMed 9536098 (cited by Labcorp Genetics (formerly Invitae), Labcorp).

NM_001370658.1(BTD):c.-17+2T>C

Gene: BTD (biotinidase; plus strand). Cytogenetic location: 3p25.1.
Variant type: single nucleotide variant.
Coding change: c.-17+2T>C on transcript NM_001370658.1 (MANE Select); the canonical splice donor site of the intron after 17 bases upstream of the start codon, T replaced by C.
Molecular consequence: splice donor variant. On other transcripts: intron variant (4).
Genome position (GRCh38, 1-based): chr3:15,601,896, T>C. VCF-style: chr3-15601896-T-C. GRCh37 (hg19) VCF-style: chr3-15643403-T-C.
Other names: c.44+2T>C (NM_000060.4); c.-17+249T>C (NM_001407365.1); c.-17+2T>C (NM_001370752.1, NM_001370753.1, NM_001407400.1 and 3 more transcripts); c.-582+2T>C (NM_001407366.1); c.-568+2T>C (NM_001407369.1); c.-191+2T>C (NM_001407374.1, NM_001407390.1); c.-174+2T>C (NM_001407372.1); c.-205+2T>C (NM_001281724.3); and 7 more.
Identifiers: ClinVar variation 1068379 (VCV001068379.19), dbSNP rs745648160, ClinGen allele CA2277187.
Genomic context (GRCh38, chr3:15,601,896, plus strand): 5'-GGCTGTAAAGGGAGAATGGCGCATGCGCATATTCAGGGCGGAAGGCGCGCTAAGAGCAGG[T>C]ACGGAGGGGGCGTGGTGCGGCGCGGAGGGGGTGTGGTAAGGGCGTGCGGTCCAGACCCCG-3'